The following is an entry in ClinVar:

NM_001372.4(DNAH9):c.10320C>T (p.Asn3440=)

Genes: DNAH9 (dynein axonemal heavy chain 9; plus strand), LOC101928350 (uncharacterized LOC101928350; minus strand). Cytogenetic location: 17p12.
Variant type: single nucleotide variant.
Coding change: c.10320C>T on transcript NM_001372.4 (MANE Select); coding-DNA position 10320, C replaced by T.
Protein change: p.Asn3440=; no amino-acid change (asparagine 3440 retained).
Molecular consequence: synonymous variant.
Genome position (GRCh38, 1-based): chr17:11,875,026, C>T. VCF-style: chr17-11875026-C-T. GRCh37 (hg19) VCF-style: chr17-11778343-C-T.
Identifiers: ClinVar variation 791342 (VCV000791342.12), dbSNP rs61743933, ClinGen allele CA8397477.
Genomic context (GRCh38, chr17:11,875,026, plus strand): 5'-CCCAGCCCTGGATCCCCTGAGGATGCTGATGGATGATGCTGACGTGGCTGCCTGGCAGAA[C>T]GAGGGCCTCCCAGCCGACCGCATGTCCGTGGAGAATGCCACCATTCTCATCAACTGTGAG-3'
Protein context (NP_001363.2, residues 3430-3450): MDDADVAAWQ[Asn3440=]EGLPADRMSV

ClinVar aggregate classification (germline): Benign. Review status: criteria provided, multiple submitters, no conflicts (2 of 4 stars). 3 submissions from 3 submitters: Benign (2). 1 of the submissions does not count toward it. Last evaluated 2026-01-24.

Conditions:
DNAH9-related disorder. Also called: DNAH9-related condition.

Allele frequency attached by ClinVar (database versions not stated): ESP Exome Variant Server 0.00677; gnomAD 0.00680 and 0.00714; TOPMed 0.00767; 1000 Genomes Project 30x 0.00781; 1000 Genomes Project 0.00819.
gnomAD v4.1: 2,199 of 1,614,096 alleles (0.14%); highest among the groups gnomAD compares: African/African-American, 2.5%; 35 homozygotes.

Submissions (3):

Labcorp Genetics (formerly Invitae), Labcorp
Classification: Benign. Last evaluated: 2026-01-24. Review status: criteria provided, single submitter. Criteria: Invitae Variant Classification Sherloc (09022015). Collection method: clinical testing. Allele origin: germline.

Breakthrough Genomics
Classification: Benign. Review status: criteria provided, single submitter. Criteria: ACMG Guidelines, 2015. Collection method: not provided. Allele origin: germline. Inheritance: Autosomal recessive inheritance. Affected: yes.

PreventionGenetics, part of Exact Sciences
Classification: Benign for DNAH9-related condition. Last evaluated: 2019-07-16. Review status: no assertion criteria provided. Collection method: clinical testing. Allele origin: germline. Not counted in ClinVar's aggregate classification.
Comment: This variant is classified as benign based on ACMG/AMP sequence variant interpretation guidelines (Richards et al. 2015 PMID: 25741868, with internal and published modifications).